The following is an entry in ClinVar:

ClinVar aggregate classification (germline): Likely benign. Review status: criteria provided, multiple submitters, no conflicts (2 of 4 stars). 4 submissions from 4 submitters: Likely benign (4). Last evaluated 2025-12-23.

Conditions:
Hereditary sensory and autonomic neuropathy type 1 (HSAN1). Also called: HSN Type I; Hereditary Sensory Neuropathy Type I; HSAN 1. Identifiers: Orphanet 36386, MedGen C0020071, MONDO:0018213.
Charcot-Marie-Tooth disease. Also called: Charcot-Marie-Tooth Neuropathy; Charcot-Marie-Tooth Hereditary Neuropathy. Identifiers: Orphanet 166, MedGen C0007959, MONDO:0015626.

Allele frequency attached by ClinVar (database versions not stated): TOPMed 0.00002; ExAC 0.00002; gnomAD exomes 0.00002 and 0.00005; gnomAD 0.00003; ESP Exome Variant Server 0.00008.

Submissions (4):

Labcorp Genetics (formerly Invitae), Labcorp
Classification: Likely benign for Hereditary sensory and autonomic neuropathy type 1. Last evaluated: 2025-12-23. Review status: criteria provided, single submitter. Criteria: Invitae Variant Classification Sherloc (09022015). Collection method: clinical testing. Allele origin: germline.

ARUP Laboratories, Molecular Genetics and Genomics, ARUP Laboratories
Classification: Likely benign. Last evaluated: 2024-03-08. Review status: criteria provided, single submitter. Criteria: ARUP Molecular Germline Variant Investigation Process 2024. Collection method: clinical testing. Allele origin: germline.

CeGaT Center for Human Genetics Tuebingen
Classification: Likely benign. Last evaluated: 2022-08-01. Review status: criteria provided, single submitter. Criteria: CeGaT Center For Human Genetics Tuebingen Variant Classification Criteria Version 2. Collection method: clinical testing. Allele origin: germline. Affected: yes. Observed: 1 variant allele.
Comment: SPTLC1: BP4, BP7

Molecular Genetics Laboratory, London Health Sciences Centre
Classification: Likely benign for Charcot-Marie-Tooth disease. Review status: criteria provided, single submitter. Criteria: ACMG Guidelines, 2015. Collection method: clinical testing. Allele origin: germline. Affected: yes.

NM_006415.4(SPTLC1):c.993C>T (p.Ser331=)

Gene: SPTLC1 (serine palmitoyltransferase long chain base subunit 1; minus strand). Cytogenetic location: 9q22.31.
Variant type: single nucleotide variant.
Coding change: c.993C>T on transcript NM_006415.4 (MANE Select); coding-DNA position 993, C replaced by T.
Protein change: p.Ser331=; no amino-acid change (serine 331 retained).
Molecular consequence: synonymous variant.
Genome position (GRCh38, 1-based): chr9:92,047,260, G>A on the plus strand (C>T on the coding strand, the complement: SPTLC1 is on the minus strand). VCF-style: chr9-92047260-G-A. GRCh37 (hg19) VCF-style: chr9-94809542-G-A.
Other names: c.993C>T, p.Ser331= (NM_001281303.2); c.627C>T, p.Ser209= (NM_001368272.1); c.528C>T, p.Ser176= (NM_001368273.1).
Identifiers: ClinVar variation 917299 (VCV000917299.33), dbSNP rs141150508, ClinGen allele CA5121348.
Genomic context (GRCh38, chr9:92,047,260, plus strand): 5'-CTCAATTGCTGCAGCAGCTAACAGGGGAGGTAACGAAGCTGAAAAGCAGTATCCCTGGCC[G>A]GAAAGTCGCTGAGAAGAAACAAATGAAGACATATACACATTCTCTGTCCTTTCTAGGTAA-3'
Protein context (NP_006406.1, residues 321-341): RSFVIDHQRL[Ser331=]GQGYCFSASL